The following is an entry in ClinVar:

ClinVar aggregate classification (germline): Uncertain significance. Review status: criteria provided, single submitter (1 of 4 stars). 2 submissions from 2 submitters: Uncertain significance (1). 1 of the submissions does not count toward it. Last evaluated 2024-02-28.

Conditions:
BBS9-related disorder. Also called: BBS9-related condition.

gnomAD v4.1: 17 of 1,611,692 alleles (0.0011%); highest among the groups gnomAD compares: East Asian, 0.0022%; no homozygotes.

Submissions (2):

Blueprint Genetics
Classification: Uncertain significance. Last evaluated: 2024-02-28. Review status: criteria provided, single submitter. Criteria: ACMG Guidelines, 2015. Collection method: clinical testing. Allele origin: germline.

PreventionGenetics, part of Exact Sciences
Classification: Uncertain significance for BBS9-related condition. Last evaluated: 2024-05-31. Review status: no assertion criteria provided. Collection method: clinical testing. Allele origin: germline. Not counted in ClinVar's aggregate classification.
Comment: The BBS9 c.1589C>T variant is predicted to result in the amino acid substitution p.Pro530Leu. To our knowledge, this variant has not been reported in the literature. This variant is reported in 0.0054% of alleles in individuals of East Asian descent in gnomAD. At this time, the clinical significance of this variant is uncertain due to the absence of conclusive functional and genetic evidence.

NM_198428.3(BBS9):c.1589C>T (p.Pro530Leu)

Gene: BBS9 (Bardet-Biedl syndrome 9; plus strand). Cytogenetic location: 7p14.3.
Variant type: single nucleotide variant.
Coding change: c.1589C>T on transcript NM_198428.3 (MANE Select); coding-DNA position 1589, C replaced by T.
Protein change: p.Pro530Leu; replaces proline 530 with leucine.
Molecular consequence: missense variant. On other transcripts: non-coding transcript variant (3).
Genome position (GRCh38, 1-based): chr7:33,357,891, C>T. VCF-style: chr7-33357891-C-T. GRCh37 (hg19) VCF-style: chr7-33397503-C-T.
Other names: c.1484C>T, p.Pro495Leu (NM_001033604.2); c.1574C>T, p.Pro525Leu (NM_001033605.2); c.1589C>T, p.Pro530Leu (NM_001348036.1, NM_001348041.4, NM_001348043.3 and 1 more transcripts); c.1223C>T, p.Pro408Leu (NM_001348037.3, NM_001348045.3, NM_001348046.3); c.1316C>T, p.Pro439Leu (NM_001348038.3); c.1211C>T, p.Pro404Leu (NM_001348039.3); c.1469C>T, p.Pro490Leu (NM_001348040.3, NM_014451.4); c.1454C>T, p.Pro485Leu (NM_001348042.3); and 1 more; short protein forms P373L, P404L, P408L, P439L, P485L, P490L, P495L, P525L.
Identifiers: ClinVar variation 3352791 (VCV003352791.2).